The following is an entry in ClinVar:

ClinVar aggregate classification (germline): Uncertain significance (1 of 4 stars; one submission).

Submission:

GeneDx
Classification: Uncertain significance. Last evaluated: 2023-06-09. Review status: criteria provided, single submitter. Criteria: GeneDx Variant Classification Process June 2021. Collection method: clinical testing. Allele origin: germline. Affected: yes.
Comment: Not observed at significant frequency in large population cohorts (gnomAD); Missense variants in this gene are often considered pathogenic (HGMD); In silico analysis supports that this missense variant does not alter protein structure/function; Has not been previously published as pathogenic or benign to our knowledge

NM_006086.4(TUBB3):c.1318G>T (p.Asp440Tyr)

Gene: TUBB3 (tubulin beta 3 class III; plus strand). Cytogenetic location: 16q24.3.
Variant type: single nucleotide variant.
Coding change: c.1318G>T on transcript NM_006086.4 (MANE Select); coding-DNA position 1318, G replaced by T.
Protein change: p.Asp440Tyr; replaces aspartic acid 440 with tyrosine.
Molecular consequence: missense variant.
Genome position (GRCh38, 1-based): chr16:89,935,769, G>T. VCF-style: chr16-89935769-G-T. GRCh37 (hg19) VCF-style: chr16-90002177-G-T.
Other names: c.1102G>T, p.Asp368Tyr (NM_001197181.2); short protein forms D368Y, D440Y.
Identifiers: ClinVar variation 3359703 (VCV003359703.1).